The following is an entry in ClinVar:

NM_000057.4(BLM):c.3536C>T (p.Thr1179Ile)

Gene: BLM (BLM RecQ like helicase; plus strand). Cytogenetic location: 15q26.1.
Variant type: single nucleotide variant.
Coding change: c.3536C>T on transcript NM_000057.4 (MANE Select); coding-DNA position 3536, C replaced by T.
Protein change: p.Thr1179Ile; replaces threonine 1179 with isoleucine.
Molecular consequence: missense variant. On other transcripts: intron variant (1).
Genome position (GRCh38, 1-based): chr15:90,803,698, C>T. VCF-style: chr15-90803698-C-T. GRCh37 (hg19) VCF-style: chr15-91346928-C-T.
Other names: c.3536C>T (LRG_20t1); c.3536C>T, p.Thr1179Ile (NM_001287246.2); c.2411C>T, p.Thr804Ile (NM_001287248.2); c.3358+5361C>T (NM_001287247.2); short protein forms T1179I, T804I.
Identifiers: ClinVar variation 485360 (VCV000485360.10), dbSNP rs1555424324, ClinGen allele CA393847818.

ClinVar aggregate classification (germline): Uncertain significance. Review status: criteria provided, multiple submitters, no conflicts (2 of 4 stars). 4 submissions from 4 submitters: Uncertain significance (3). 1 of the submissions does not count toward it. Last evaluated 2025-11-03.

Conditions:
Bloom syndrome (BLM). Also called: Bloom-Torre-Machacek syndrome. Identifiers: Orphanet 125, MedGen C0005859, MONDO:0008876, OMIM 210900.
Hereditary cancer-predisposing syndrome. Also called: Neoplastic Syndromes, Hereditary; Tumor predisposition; Hereditary Cancer Syndrome; Hereditary neoplastic syndrome. Identifiers: Orphanet 140162, MedGen C0027672, MeSH D009386, MONDO:0015356.

Submissions (4):

Labcorp Genetics (formerly Invitae), Labcorp
Classification: Uncertain significance for Bloom syndrome. Last evaluated: 2025-11-03. Review status: criteria provided, single submitter. Criteria: Invitae Variant Classification Sherloc (09022015). Collection method: clinical testing. Allele origin: germline.
Comment: This sequence change replaces threonine, which is neutral and polar, with isoleucine, which is neutral and non-polar, at codon 1179 of the BLM protein (p.Thr1179Ile). This variant is not present in population databases (gnomAD no frequency). This variant has not been reported in the literature in individuals affected with BLM-related conditions. ClinVar contains an entry for this variant (Variation ID: 485360). Invitae Evidence Modeling of protein sequence and biophysical properties (such as structural, functional, and spatial information, amino acid conservation, physicochemical variation, residue mobility, and thermodynamic stability) indicates that this missense variant is not expected to disrupt BLM protein function with a negative predictive value of 80%. In summary, the available evidence is currently insufficient to determine the role of this variant in disease. Therefore, it has been classified as a Variant of Uncertain Significance.

Ambry Genetics
Classification: Uncertain significance for Hereditary cancer-predisposing syndrome. Last evaluated: 2024-10-13. Review status: criteria provided, single submitter. Criteria: Ambry Variant Classification Scheme 2023. Collection method: clinical testing. Allele origin: germline.
Comment: The p.T1179I variant (also known as c.3536C>T), located in coding exon 17 of the BLM gene, results from a C to T substitution at nucleotide position 3536. The threonine at codon 1179 is replaced by isoleucine, an amino acid with similar properties. This amino acid position is poorly conserved in available vertebrate species. In addition, this alteration is predicted to be tolerated by in silico analysis. Since supporting evidence is limited at this time, the clinical significance of this alteration remains unclear.

Fulgent Genetics
Classification: Uncertain significance for Bloom syndrome. Last evaluated: 2021-10-28. Review status: criteria provided, single submitter. Criteria: ACMG Guidelines, 2015. Collection method: clinical testing. Allele origin: unknown.

Natera, Inc.
Classification: Uncertain significance for Bloom syndrome. Last evaluated: 2020-11-30. Review status: no assertion criteria provided. Collection method: clinical testing. Allele origin: germline. Not counted in ClinVar's aggregate classification.